The following is an entry in ClinVar:

NM_001365999.1(SZT2):c.3367C>T (p.Arg1123Cys)

Gene: SZT2 (SZT2 subunit of KICSTOR complex; plus strand). Cytogenetic location: 1p34.2.
Variant type: single nucleotide variant.
Coding change: c.3367C>T on transcript NM_001365999.1 (MANE Select); coding-DNA position 3367, C replaced by T.
Protein change: p.Arg1123Cys; replaces arginine 1123 with cysteine.
Molecular consequence: missense variant.
Genome position (GRCh38, 1-based): chr1:43,427,113, C>T. VCF-style: chr1-43427113-C-T. GRCh37 (hg19) VCF-style: chr1-43892784-C-T.
Other names: c.3196C>T, p.Arg1066Cys (NM_015284.4); short protein forms R1123C, R1066C.
Identifiers: ClinVar variation 837807 (VCV000837807.6), dbSNP rs894810363, ClinGen allele CA21634330.

ClinVar aggregate classification (germline): Uncertain significance (1 of 4 stars; one submission).

Allele frequency attached by ClinVar (database versions not stated): gnomAD exomes 0.00002; gnomAD 0.00003 and 0.00004; TOPMed 0.00003; 1000 Genomes Project 30x 0.00016.
gnomAD v4.1: 32 of 1,614,212 alleles (0.002%); highest among the groups gnomAD compares: East Asian, 0.013%; no homozygotes.

Submission:

Labcorp Genetics (formerly Invitae), Labcorp
Classification: Uncertain significance. Last evaluated: 2025-09-02. Review status: criteria provided, single submitter. Criteria: Invitae Variant Classification Sherloc (09022015). Collection method: clinical testing. Allele origin: germline.
Comment: This sequence change replaces arginine, which is basic and polar, with cysteine, which is neutral and slightly polar, at codon 1066 of the SZT2 protein (p.Arg1066Cys). This variant is present in population databases (no rsID available, gnomAD 0.01%). This variant has not been reported in the literature in individuals affected with SZT2-related conditions. ClinVar contains an entry for this variant (Variation ID: 837807). Invitae Evidence Modeling of protein sequence and biophysical properties (such as structural, functional, and spatial information, amino acid conservation, physicochemical variation, residue mobility, and thermodynamic stability) indicates that this missense variant is not expected to disrupt SZT2 protein function with a negative predictive value of 80%. In summary, the available evidence is currently insufficient to determine the role of this variant in disease. Therefore, it has been classified as a Variant of Uncertain Significance.